The following is an entry in ClinVar:

NM_003482.4(KMT2D):c.7933C>T (p.Arg2645Ter)

Gene: KMT2D (lysine methyltransferase 2D; minus strand). Cytogenetic location: 12q13.12.
Variant type: single nucleotide variant.
Coding change: c.7933C>T on transcript NM_003482.4 (MANE Select); coding-DNA position 7933, C replaced by T.
Protein change: p.Arg2645Ter; replaces arginine 2645 with a stop codon.
Molecular consequence: nonsense.
Genome position (GRCh38, 1-based): chr12:49,039,837, G>A on the plus strand (C>T on the coding strand, the complement: KMT2D is on the minus strand). VCF-style: chr12-49039837-G-A. GRCh37 (hg19) VCF-style: chr12-49433620-G-A.
Other names: short protein forms R2645*.
Identifiers: ClinVar variation 547450 (VCV000547450.7), dbSNP rs1555191740, ClinGen allele CA384746419.

ClinVar aggregate classification (germline): Pathogenic. Review status: criteria provided, multiple submitters, no conflicts (2 of 4 stars). 5 submissions from 5 submitters: Pathogenic (4). 1 of the submissions does not count toward it. Last evaluated 2025-06-13.

Conditions:
Kabuki syndrome 1 (KABUK1). Also called: KMT2D-Related Kabuki Syndrome. Identifiers: Orphanet 2322, MedGen CN030661, MONDO:0007843, OMIM 147920.
KMT2D-related disorder. Also called: KMT2D-Related Disorders.

Submissions (5):

Greenwood Genetic Center Diagnostic Laboratories, Greenwood Genetic Center
Classification: Pathogenic for KMT2D-related disorder. Last evaluated: 2025-06-13. Review status: criteria provided, single submitter. Criteria: ACMG Guidelines, 2015. Collection method: clinical testing. Allele origin: germline. Affected: yes.
Comment: PVS1, PS4, PM2, PM6

GeneDx
Classification: Pathogenic. Last evaluated: 2021-12-20. Review status: criteria provided, single submitter. Criteria: GeneDx Variant Classification Process June 2021. Collection method: clinical testing. Allele origin: germline. Affected: yes.
Comment: Nonsense variant predicted to result in protein truncation or nonsense mediated decay in a gene for which loss-of-function is a known mechanism of disease; Not observed at significant frequency in large population cohorts (gnomAD); This variant is associated with the following publications: (PMID: 25525159, 21280141)

HudsonAlpha Institute for Biotechnology
Classification: Pathogenic for Kabuki syndrome 1. Last evaluated: 2019-09-26. Review status: criteria provided, single submitter. Criteria: ACMG Guidelines, 2015. Collection method: research. Allele origin: unknown. Affected: yes. Observed: 1 variant allele. Study: CSER-SouthSeq.
Comment: ACMG codes: PVS1, PM2, PP5

Center for Human Genetics, Inc
Classification: Pathogenic for Kabuki syndrome 1. Last evaluated: 2016-11-01. Review status: criteria provided, single submitter. Criteria: ACMG Guidelines, 2015. Collection method: clinical testing. Allele origin: germline. Affected: yes.

PreventionGenetics, part of Exact Sciences
Classification: Pathogenic for KMT2D-related condition. Last evaluated: 2024-02-03. Review status: no assertion criteria provided. Collection method: clinical testing. Allele origin: germline. Not counted in ClinVar's aggregate classification.
Comment: The KMT2D c.7933C>T variant is predicted to result in premature protein termination (p.Arg2645*). This variant has been reported in multiple individuals with Kabuki syndrome (reported as de novo, Paulussen et al. 2011. PubMed ID: 21280141; Table S2, Bowling et al. 2022. PubMed ID: 34930662; Levy et al. 2022. PubMed ID: 35904121). This variant has not been reported in a large population database, indicating this variant is rare. Nonsense variants in KMT2D are expected to be pathogenic. This variant is interpreted as pathogenic.